The following is an entry in ClinVar:

ClinVar aggregate classification (germline): Uncertain significance (1 of 4 stars; one submission).

Conditions:
Hereditary cancer-predisposing syndrome. Also called: Neoplastic Syndromes, Hereditary; Tumor predisposition; Hereditary neoplastic syndrome; Hereditary Cancer Syndrome. Identifiers: Orphanet 140162, MedGen C0027672, MeSH D009386, MONDO:0015356.

gnomAD v4.1: 1 of 1,610,032 alleles (0.000062%); highest among the groups gnomAD compares: Non-Finnish European, 0.000085%; no homozygotes.

Submission:

Ambry Genetics
Classification: Uncertain significance for Hereditary cancer-predisposing syndrome. Last evaluated: 2026-07-13. Review status: criteria provided, single submitter. Criteria: Ambry Variant Classification Scheme 2023. Collection method: clinical testing. Allele origin: germline.
Comment: The c.1899-5T>A intronic variant results from a T to A substitution 5 nucleotides upstream from coding exon 12 in the ATM gene. This nucleotide position is well conserved in available vertebrate species. In silico splice site analysis predicts that this alteration will result in the creation or strengthening of a novel splice acceptor site; however, direct evidence is insufficient at this time (Ambry internal data). In an assay testing ATM function, this variant showed a functionally abnormal result (Lee KS et al. Cell, 2025 Sep;188:5081-5099.e27). Based on the available evidence, the clinical significance of this variant remains unclear.

Literature cited by the submitters: PubMed 40580951.

NM_000051.4(ATM):c.1899-5T>A

Gene: ATM (ATM serine/threonine kinase; plus strand). Cytogenetic location: 11q22.3.
Variant type: single nucleotide variant.
Coding change: c.1899-5T>A on transcript NM_000051.4 (MANE Select); 5 bases into the intron before coding-DNA position 1899, T replaced by A.
Molecular consequence: intron variant.
Genome position (GRCh38, 1-based): chr11:108,253,809, T>A. VCF-style: chr11-108253809-T-A. GRCh37 (hg19) VCF-style: chr11-108124536-T-A.
Other names: c.1899-5T>A (NM_001351834.2).
Identifiers: ClinVar variation 5031547 (VCV005031547.1).